The following is an entry in ClinVar:

NM_001868.4(CPA1):c.758C>A (p.Pro253His)

Gene: CPA1 (carboxypeptidase A1; plus strand). Cytogenetic location: 7q32.2.
Variant type: single nucleotide variant.
Coding change: c.758C>A on transcript NM_001868.4 (MANE Select); coding-DNA position 758, C replaced by A.
Protein change: p.Pro253His; replaces proline 253 with histidine.
Molecular consequence: missense variant.
Genome position (GRCh38, 1-based): chr7:130,384,597, C>A. VCF-style: chr7-130384597-C-A. GRCh37 (hg19) VCF-style: chr7-130024438-C-A.
Other names: short protein forms P253H.
Identifiers: ClinVar variation 2115925 (VCV002115925.4), dbSNP rs2536010989, ClinGen allele CA369283007.

ClinVar aggregate classification (germline): Uncertain significance (1 of 4 stars; one submission).

Submission:

Labcorp Genetics (formerly Invitae), Labcorp
Classification: Uncertain significance. Last evaluated: 2022-03-23. Review status: criteria provided, single submitter. Criteria: Invitae Variant Classification Sherloc (09022015). Collection method: clinical testing. Allele origin: germline.
Comment: In summary, the available evidence is currently insufficient to determine the role of this variant in disease. Therefore, it has been classified as a Variant of Uncertain Significance. Algorithms developed to predict the effect of missense changes on protein structure and function are either unavailable or do not agree on the potential impact of this missense change (SIFT: "Deleterious"; PolyPhen-2: "Probably Damaging"; Align-GVGD: "Class C0"). This variant has not been reported in the literature in individuals affected with CPA1-related conditions. This variant is not present in population databases (gnomAD no frequency). This sequence change replaces proline, which is neutral and non-polar, with histidine, which is basic and polar, at codon 253 of the CPA1 protein (p.Pro253His).